The following is an entry in ClinVar:

ClinVar aggregate classification (germline): Uncertain significance (1 of 4 stars; one submission).

Conditions:
Hereditary cancer-predisposing syndrome. Also called: Hereditary Cancer Syndrome; Hereditary neoplastic syndrome; Tumor predisposition; Neoplastic Syndromes, Hereditary. Identifiers: Orphanet 140162, MedGen C0027672, MeSH D009386, MONDO:0015356.

Submission:

Ambry Genetics
Classification: Uncertain significance for Hereditary cancer-predisposing syndrome. Last evaluated: 2020-09-30. Review status: criteria provided, single submitter. Criteria: Ambry Variant Classification Scheme 2023. Collection method: clinical testing. Allele origin: germline.
Comment: The p.G803D variant (also known as c.2408G>A), located in coding exon 17 of the KIT gene, results from a G to A substitution at nucleotide position 2408. The glycine at codon 803 is replaced by aspartic acid, an amino acid with similar properties. This amino acid position is well conserved in available vertebrate species. In addition, the in silico prediction for this alteration is inconclusive. Since supporting evidence is limited at this time, the clinical significance of this alteration remains unclear.

NM_000222.3(KIT):c.2408G>A (p.Gly803Asp)

Gene: KIT (KIT proto-oncogene, receptor tyrosine kinase; plus strand). Cytogenetic location: 4q12.
Variant type: single nucleotide variant.
Coding change: c.2408G>A on transcript NM_000222.3 (MANE Select); coding-DNA position 2408, G replaced by A.
Protein change: p.Gly803Asp; replaces glycine 803 with aspartic acid.
Molecular consequence: missense variant.
Genome position (GRCh38, 1-based): chr4:54,733,116, G>A. VCF-style: chr4-54733116-G-A. GRCh37 (hg19) VCF-style: chr4-55599282-G-A.
Other names: c.2396G>A, p.Gly799Asp (NM_001093772.2, NM_001385292.1); c.2411G>A, p.Gly804Asp (NM_001385284.1); c.2405G>A, p.Gly802Asp (NM_001385285.1); c.2393G>A, p.Gly798Asp (NM_001385286.1); c.2399G>A, p.Gly800Asp (NM_001385288.1); c.2408G>A, p.Gly803Asp (NM_001385290.1); short protein forms G798D, G799D, G800D, G802D, G803D, G804D.
Identifiers: ClinVar variation 1790832 (VCV001790832.2), dbSNP rs2109801394, ClinGen allele CA356911624.